The following is an entry in ClinVar:

ClinVar aggregate classification (germline): Pathogenic (1 of 4 stars; one submission).

Conditions:
DNA ligase IV deficiency. Identifiers: Orphanet 99812, MedGen C1847827, MONDO:0011686, OMIM 606593.

Submission:

Labcorp Genetics (formerly Invitae), Labcorp
Classification: Pathogenic for DNA ligase IV deficiency. Last evaluated: 2025-10-29. Review status: criteria provided, single submitter. Criteria: Invitae Variant Classification Sherloc (09022015). Collection method: clinical testing. Allele origin: germline.
Comment: This sequence change creates a premature translational stop signal (p.Ser897*) in the LIG4 gene. While this is not anticipated to result in nonsense mediated decay, it is expected to disrupt the last 15 amino acid(s) of the LIG4 protein. This variant is not present in population databases (gnomAD no frequency). This variant has not been reported in the literature in individuals affected with LIG4-related conditions. ClinVar contains an entry for this variant (Variation ID: 3669074). This variant disrupts a region of the LIG4 protein in which other variant(s) (p.Gln904*) have been determined to be pathogenic (PMID: 34630384). This suggests that this is a clinically significant region of the protein, and that variants that disrupt it are likely to be disease-causing. For these reasons, this variant has been classified as Pathogenic.

Literature cited by the submitters: PubMed 34630384.

NM_206937.2(LIG4):c.2690C>A (p.Ser897Ter)

Gene: LIG4 (DNA ligase 4; minus strand). Cytogenetic location: 13q33.3.
Variant type: single nucleotide variant.
Coding change: c.2690C>A on transcript NM_206937.2 (MANE Select); coding-DNA position 2690, C replaced by A.
Protein change: p.Ser897Ter; replaces serine 897 with a stop codon.
Molecular consequence: nonsense.
Genome position (GRCh38, 1-based): chr13:108,208,579, G>T on the plus strand (C>A on the coding strand, the complement: LIG4 is on the minus strand). VCF-style: chr13-108208579-G-T. GRCh37 (hg19) VCF-style: chr13-108860927-G-T.
Other names: c.2690C>A, p.Ser897Ter (NM_001098268.2, NM_001352598.2, NM_001352599.2 and 6 more transcripts); c.2489C>A, p.Ser830Ter (NM_001330595.2); c.2726C>A, p.Ser909Ter (NM_001352604.2); short protein forms S830*, S897*, S909*.
Identifiers: ClinVar variation 3669074 (VCV003669074.2).